The following is an entry in ClinVar:

ClinVar aggregate classification (germline): Uncertain significance (1 of 4 stars; one submission).

Allele frequency attached by ClinVar (database versions not stated): gnomAD 0.00001; gnomAD exomes 0.00001; TOPMed 0.00001; ExAC 0.00006.
gnomAD v4.1: 13 of 1,611,828 alleles (0.00081%); highest among the groups gnomAD compares: Non-Finnish European, 0.00093%; no homozygotes.

Submission:

Labcorp Genetics (formerly Invitae), Labcorp
Classification: Uncertain significance. Last evaluated: 2022-05-21. Review status: criteria provided, single submitter. Criteria: Invitae Variant Classification Sherloc (09022015). Collection method: clinical testing. Allele origin: germline.
Comment: This sequence change replaces alanine, which is neutral and non-polar, with proline, which is neutral and non-polar, at codon 427 of the AP3B2 protein (p.Ala427Pro). In summary, the available evidence is currently insufficient to determine the role of this variant in disease. Therefore, it has been classified as a Variant of Uncertain Significance. Algorithms developed to predict the effect of missense changes on protein structure and function are either unavailable or do not agree on the potential impact of this missense change (SIFT: "Tolerated"; PolyPhen-2: "Probably Damaging"; Align-GVGD: "Class C0"). This variant has not been reported in the literature in individuals affected with AP3B2-related conditions. The frequency data for this variant in the population databases is considered unreliable, as metrics indicate poor data quality at this position in the gnomAD database.

NM_001278512.2(AP3B2):c.1279G>C (p.Ala427Pro)

Genes: AP3B2 (adaptor related protein complex 3 subunit beta 2; minus strand), CPEB1-AS1 (CPEB1 antisense RNA 1; plus strand). Cytogenetic location: 15q25.2.
Variant type: single nucleotide variant.
Coding change: c.1279G>C on transcript NM_001278512.2 (MANE Select); coding-DNA position 1279, G replaced by C.
Protein change: p.Ala427Pro; replaces alanine 427 with proline.
Molecular consequence: missense variant.
Genome position (GRCh38, 1-based): chr15:82,677,770, C>G on the plus strand (G>C on the coding strand, the complement: AP3B2 is on the minus strand). VCF-style: chr15-82677770-C-G. GRCh37 (hg19) VCF-style: chr15-83346522-C-G.
Other names: c.1183G>C, p.Ala395Pro (NM_001278511.2); c.1279G>C, p.Ala427Pro (NM_004644.5); short protein forms A395P, A427P.
Identifiers: ClinVar variation 1997682 (VCV001997682.4), dbSNP rs768775339, ClinGen allele CA7700255.